The following is an entry in ClinVar:

NM_000384.3(APOB):c.12635C>T (p.Thr4212Ile)

Gene: APOB (apolipoprotein B; minus strand). Cytogenetic location: 2p24.1.
Variant type: single nucleotide variant.
Coding change: c.12635C>T on transcript NM_000384.3 (MANE Select); coding-DNA position 12635, C replaced by T.
Protein change: p.Thr4212Ile; replaces threonine 4212 with isoleucine.
Molecular consequence: missense variant.
Genome position (GRCh38, 1-based): chr2:21,002,787, G>A on the plus strand (C>T on the coding strand, the complement: APOB is on the minus strand). VCF-style: chr2-21002787-G-A. GRCh37 (hg19) VCF-style: chr2-21225659-G-A.
Other names: short protein forms T4212I.
Identifiers: ClinVar variation 4613683 (VCV004613683.1).

ClinVar aggregate classification (germline): Uncertain significance (1 of 4 stars; one submission).

Conditions:
Cardiovascular phenotype. Identifiers: MedGen CN230736.

Submission:

Ambry Genetics
Classification: Uncertain significance for Cardiovascular phenotype. Last evaluated: 2025-11-15. Review status: criteria provided, single submitter. Criteria: Ambry Variant Classification Scheme 2023. Collection method: clinical testing. Allele origin: germline.
Comment: The p.T4212I variant (also known as c.12635C>T), located in coding exon 29 of the APOB gene, results from a C to T substitution at nucleotide position 12635. The threonine at codon 4212 is replaced by isoleucine, an amino acid with similar properties. This amino acid position is conserved. In addition, this alteration is predicted to be tolerated by in silico analysis. Based on the available evidence, the clinical significance of this variant remains unclear.